The following is an entry in ClinVar:

ClinVar aggregate classification (germline): Uncertain significance (1 of 4 stars; one submission).

Submission:

GeneDx
Classification: Uncertain significance. Last evaluated: 2022-04-03. Review status: criteria provided, single submitter. Criteria: GeneDx Variant Classification Process June 2021. Collection method: clinical testing. Allele origin: germline. Affected: yes.
Comment: Not observed at significant frequency in large population cohorts (gnomAD); Missense variants in this gene are often considered pathogenic (HGMD); In silico analysis supports that this missense variant has a deleterious effect on protein structure/function; Has not been previously published as pathogenic or benign to our knowledge; This substitution is predicted to be within the transmembrane segment S2 of the second homologous domain; This variant is associated with the following publications: (PMID: 24077912)

NM_001040142.2(SCN2A):c.2404T>G (p.Phe802Val)

Gene: SCN2A (sodium voltage-gated channel alpha subunit 2; plus strand). Cytogenetic location: 2q24.3.
Variant type: single nucleotide variant.
Coding change: c.2404T>G on transcript NM_001040142.2 (MANE Select); coding-DNA position 2404, T replaced by G.
Protein change: p.Phe802Val; replaces phenylalanine 802 with valine.
Molecular consequence: missense variant.
Genome position (GRCh38, 1-based): chr2:165,342,311, T>G. VCF-style: chr2-165342311-T-G. GRCh37 (hg19) VCF-style: chr2-166198821-T-G.
Other names: c.2404T>G, p.Phe802Val (NM_001040143.2, NM_001371246.1, NM_001371247.1 and 1 more transcripts); short protein forms F802V.
Identifiers: ClinVar variation 1707963 (VCV001707963.2), dbSNP rs2467998908, ClinGen allele CA349012507.
Genomic context (GRCh38, chr2:165,342,311, plus strand): 5'-TTTCAAGAGTATTTGCTCATATAATGAACTACACTTCTCATTTAGGTCTTCACAGGGATC[T>G]TCACAGCAGAAATGTTTCTCAAGATAATTGCCATGGATCCATATTATTACTTTCAAGAAG-3'
Protein context (NP_001035232.1, residues 792-812): SVGNLVFTGI[Phe802Val]TAEMFLKIIA